The following is an entry in ClinVar:

NM_182914.3(SYNE2):c.15776G>A (p.Ser5259Asn)

Gene: SYNE2 (spectrin repeat containing nuclear envelope protein 2; plus strand). Cytogenetic location: 14q23.2.
Variant type: single nucleotide variant.
Coding change: c.15776G>A on transcript NM_182914.3 (MANE Select); coding-DNA position 15776, G replaced by A.
Protein change: p.Ser5259Asn; replaces serine 5259 with asparagine.
Molecular consequence: missense variant.
Genome position (GRCh38, 1-based): chr14:64,152,700, G>A. VCF-style: chr14-64152700-G-A. GRCh37 (hg19) VCF-style: chr14-64619418-G-A.
Other names: c.15776G>A (NM_182914.2); c.15776G>A, p.Ser5259Asn (NM_015180.6); short protein forms S5259N.
Identifiers: ClinVar variation 1425328 (VCV001425328.2), dbSNP rs1168529666, ClinGen allele CA389951973.

ClinVar aggregate classification (germline): Conflicting classifications of pathogenicity. Review status: criteria provided, conflicting classifications (1 of 4 stars). 2 submissions from 2 submitters: Uncertain significance (1); Likely benign (1). Last evaluated 2024-11-29.

Conditions:
Emery-Dreifuss muscular dystrophy 5, autosomal dominant (EDMD5). Also called: EMERY-DREIFUSS MUSCULAR DYSTROPHY 5. Identifiers: Orphanet 261, MedGen C2751805, MONDO:0013072, OMIM 612999.

Allele frequency attached by ClinVar (database versions not stated): gnomAD exomes below 0.00001; gnomAD 0.00001.
gnomAD v4.1: 6 of 1,613,980 alleles (0.00037%); highest among the groups gnomAD compares: African/African-American, 0.0027%; no homozygotes.

Submissions (2):

Ambry Genetics
Classification: Likely benign. Last evaluated: 2024-11-29. Review status: criteria provided, single submitter. Criteria: Ambry Variant Classification Scheme 2023. Collection method: clinical testing. Allele origin: germline.

Labcorp Genetics (formerly Invitae), Labcorp
Classification: Uncertain significance for Emery-Dreifuss muscular dystrophy 5, autosomal dominant. Last evaluated: 2021-09-29. Review status: criteria provided, single submitter. Criteria: Invitae Variant Classification Sherloc (09022015). Collection method: clinical testing. Allele origin: germline.
Comment: This sequence change replaces serine with asparagine at codon 5259 of the SYNE2 protein (p.Ser5259Asn). The serine residue is moderately conserved and there is a small physicochemical difference between serine and asparagine. This variant is not present in population databases (ExAC no frequency). This variant has not been reported in the literature in individuals affected with SYNE2-related conditions. Algorithms developed to predict the effect of missense changes on protein structure and function output the following: SIFT: "Tolerated"; PolyPhen-2: "Benign"; Align-GVGD: "Class C0". The asparagine amino acid residue is found in multiple mammalian species, which suggests that this missense change does not adversely affect protein function. In summary, the available evidence is currently insufficient to determine the role of this variant in disease. Therefore, it has been classified as a Variant of Uncertain Significance.